The following is an entry in ClinVar:

ClinVar aggregate classification (germline): Uncertain significance (1 of 4 stars; one submission).

Conditions:
Inborn genetic diseases. Identifiers: MedGen C0950123, MeSH D030342.

Submission:

Ambry Genetics
Classification: Uncertain significance for Inborn genetic diseases. Last evaluated: 2024-11-16. Review status: criteria provided, single submitter. Criteria: Ambry Variant Classification Scheme 2023. Collection method: clinical testing. Allele origin: germline.
Comment: The p.M211V variant (also known as c.631A>G), located in coding exon 4 of the ATR gene, results from an A to G substitution at nucleotide position 631. The methionine at codon 211 is replaced by valine, an amino acid with highly similar properties. This amino acid position is conserved. In addition, this alteration is predicted to be tolerated by in silico analysis. Based on the available evidence, the clinical significance of this variant remains unclear.

NM_001184.4(ATR):c.631A>G (p.Met211Val)

Gene: ATR (ATR serine/threonine kinase; minus strand). Cytogenetic location: 3q23.
Variant type: single nucleotide variant.
Coding change: c.631A>G on transcript NM_001184.4 (MANE Select); coding-DNA position 631, A replaced by G.
Protein change: p.Met211Val; replaces methionine 211 with valine.
Molecular consequence: missense variant.
Genome position (GRCh38, 1-based): chr3:142,562,771, T>C on the plus strand (A>G on the coding strand, the complement: ATR is on the minus strand). VCF-style: chr3-142562771-T-C. GRCh37 (hg19) VCF-style: chr3-142281613-T-C.
Other names: c.631A>G, p.Met211Val (NM_001354579.2); short protein forms M211V.
Identifiers: ClinVar variation 3463466 (VCV003463466.1).
Genomic context (GRCh38, chr3:142,562,771, plus strand): 5'-GCCAAAGTAAGAGTTCTTGCCTTCTAAAAAACACAATTGCAATAATACGAGTAAGAACCA[T>C]TAATAAAGTGACTTCAATAAATTCTAAATTTTGCATACTCATCAACTGCAAAGGAGCTGA-3'
Protein context (NP_001175.2, residues 201-221): NLEFIEVTLL[Met211Val]VLTRIIAIVF